The following is an entry in ClinVar:

ClinVar aggregate classification (germline): Benign (1 of 4 stars; one submission).

Conditions:
Epidermolysis bullosa simplex due to plakophilin deficiency. Also called: MCGRATH SYNDROME. Identifiers: Orphanet 158668, MedGen C1858302, MONDO:0011472, OMIM 604536.

Allele frequency attached by ClinVar (database versions not stated): gnomAD 0.02527 and 0.02733; TOPMed 0.02866; 1000 Genomes Project 0.02975; 1000 Genomes Project 30x 0.03139.

Submission:

Illumina Laboratory Services, Illumina
Classification: Benign for Epidermolysis bullosa simplex due to plakophilin deficiency. Last evaluated: 2018-01-13. Review status: criteria provided, single submitter. Criteria: ICSL Variant Classification Criteria 13 December 2019. Collection method: clinical testing. Allele origin: germline.
Comment: This variant was observed in the ICSL laboratory as part of a predisposition screen in an ostensibly healthy population. It had not been previously curated by ICSL or reported in the Human Gene Mutation Database (HGMD: prior to June 1st, 2018), and was therefore a candidate for classification through an automated scoring system. Utilizing variant allele frequency, disease prevalence and penetrance estimates, and inheritance mode, an automated score was calculated to assess if this variant is too frequent to cause the disease. Based on the score and internal cut-off values, a variant classified as benign is not then subjected to further curation. The score for this variant resulted in a classification of benign for this disease.

NM_001005337.3(PKP1):c.*2752G>A

Gene: PKP1 (plakophilin 1; plus strand). Cytogenetic location: 1q32.1.
Variant type: single nucleotide variant.
Coding change: c.*2752G>A on transcript NM_001005337.3 (MANE Select); 2752 bases downstream of the stop codon, G replaced by A.
Molecular consequence: 3 prime UTR variant.
Genome position (GRCh38, 1-based): chr1:201,332,793, G>A. VCF-style: chr1-201332793-G-A. GRCh37 (hg19) VCF-style: chr1-201301921-G-A.
Other names: c.*2752G>A (NM_000299.4).
Identifiers: ClinVar variation 294888 (VCV000294888.5), dbSNP rs73074694, ClinGen allele CA10608765.